The following is an entry in ClinVar:

NM_014009.4(FOXP3):c.459C>T (p.Ile153=)

Gene: FOXP3 (forkhead box P3; minus strand). Cytogenetic location: Xp11.23.
Variant type: single nucleotide variant.
Coding change: c.459C>T on transcript NM_014009.4 (MANE Select); coding-DNA position 459, C replaced by T.
Protein change: p.Ile153=; no amino-acid change (isoleucine 153 retained).
Molecular consequence: synonymous variant.
Genome position (GRCh38, 1-based): chrX:49,257,008, G>A on the plus strand (C>T on the coding strand, the complement: FOXP3 is on the minus strand). VCF-style: chrX-49257008-G-A. GRCh37 (hg19) VCF-style: chrX-49113465-G-A.
Other names: c.354C>T, p.Ile118= (NM_001114377.2).
Identifiers: ClinVar variation 4293371 (VCV004293371.1).

ClinVar aggregate classification (germline): Uncertain significance (1 of 4 stars; one submission).

Conditions:
Insulin-dependent diabetes mellitus secretory diarrhea syndrome (IPEX). Also called: IPEX and IPEX-Like; Immunodeficiency, Polyendocrinopathy, and Enteropathy X-Linked Syndrome; X-Linked Syndrome of Polyendocrinopathy, Immune Dysfunction, and Diarrhea; DIABETES MELLITUS, CONGENITAL INSULIN-DEPENDENT, WITH FATAL SECRETORY DIARRHEA; DIARRHEA, POLYENDOCRINOPATHY, FATAL INFECTION SYNDROME, X-LINKED; ENTEROPATHY, AUTOIMMUNE, WITH HEMOLYTIC ANEMIA AND POLYENDOCRINOPATHY. Identifiers: Orphanet 37042, MedGen C0342288, MONDO:0010580, OMIM 304790. Disease mechanism: loss of function.

Submission:

3billion
Classification: Uncertain significance for Insulin-dependent diabetes mellitus secretory diarrhea syndrome. Last evaluated: 2025-02-04. Review status: criteria provided, single submitter. Criteria: ACMG Guidelines, 2015. Collection method: clinical testing. Allele origin: germline. Affected: yes.
Comment: The variant is not observed in the gnomAD v4.1.0 dataset. Predicted Consequence/Location: Synonymous variant In silico tools predict the variant to alter splicing and produce an abnormal transcript [SpliceAI: 0.20 (>=0.2, moderate evidence for spliceogenicity)]. Therefore, this variant is classified as VUS according to the recommendation of ACMG/AMP guideline.